The following is an entry in ClinVar:

NM_001365999.1(SZT2):c.7087G>A (p.Gly2363Arg)

Gene: SZT2 (SZT2 subunit of KICSTOR complex; plus strand). Cytogenetic location: 1p34.2.
Variant type: single nucleotide variant.
Coding change: c.7087G>A on transcript NM_001365999.1 (MANE Select); coding-DNA position 7087, G replaced by A.
Protein change: p.Gly2363Arg; replaces glycine 2363 with arginine.
Molecular consequence: missense variant.
Genome position (GRCh38, 1-based): chr1:43,439,925, G>A. VCF-style: chr1-43439925-G-A. GRCh37 (hg19) VCF-style: chr1-43905596-G-A.
Other names: c.6916G>A, p.Gly2306Arg (NM_015284.4); short protein forms G2306R, G2363R.
Identifiers: ClinVar variation 1303480 (VCV001303480.11), dbSNP rs1557587748, ClinGen allele CA340033302.

ClinVar aggregate classification (germline): Uncertain significance. Review status: criteria provided, multiple submitters, no conflicts (2 of 4 stars). 4 submissions from 4 submitters: Uncertain significance (4). Last evaluated 2023-04-11.

Conditions:
Developmental and epileptic encephalopathy, 18 (DEE18). Also called: Early infantile epileptic encephalopathy 18. Identifiers: Orphanet 369894, MedGen C3809624, MONDO:0014201, OMIM 615476.

Allele frequency attached by ClinVar (database versions not stated): gnomAD exomes below 0.00001; TOPMed below 0.00001.
gnomAD v4.1: 1 of 1,612,152 alleles (0.000062%); highest among the groups gnomAD compares: Admixed American, 0.0017%; no homozygotes.

Submissions (4):

Genome-Nilou Lab
Classification: Uncertain significance for Developmental and epileptic encephalopathy, 18. Last evaluated: 2023-04-11. Review status: criteria provided, single submitter. Criteria: ACMG Guidelines, 2015. Collection method: clinical testing. Allele origin: germline. Affected: no.

Women's Health and Genetics/Laboratory Corporation of America, LabCorp
Classification: Uncertain significance. Last evaluated: 2023-03-16. Review status: criteria provided, single submitter. Criteria: LabCorp Variant Classification Summary - May 2015. Collection method: clinical testing. Allele origin: germline.
Comment: Variant summary: C1orf84 c.6916G>A (p.Gly2306Arg) results in a non-conservative amino acid change in the encoded protein sequence. Four of five in-silico tools predict a damaging effect of the variant on protein function. The variant allele was found at a frequency of 4e-06 in 249190 control chromosomes (gnomAD). The available data on variant occurrences in the general population are insufficient to allow any conclusion about variant significance. c.6916G>A has been reported in the literature in at-least one individual affected with Epileptic Encephalopathy (example: Vanderver_2016 and Pizzino_2017). These data do not allow any conclusion about variant significance. To our knowledge, no experimental evidence demonstrating an impact on protein function has been reported. Two clinical diagnostic laboratories have submitted clinical-significance assessments for this variant to ClinVar after 2014 and classified the variant as uncertain significance. Based on the evidence outlined above, the variant was classified as uncertain significance.

GeneDx
Classification: Uncertain significance. Last evaluated: 2022-01-03. Review status: criteria provided, single submitter. Criteria: GeneDx Variant Classification Process June 2021. Collection method: clinical testing. Allele origin: germline. Affected: yes.
Comment: In silico analysis supports that this missense variant has a deleterious effect on protein structure/function; Not observed at significant frequency in large population cohorts (gnomAD); This variant is associated with the following publications: (PMID: 32402703, 30818181, 28556953, 29696782, 27159321)

Labcorp Genetics (formerly Invitae), Labcorp
Classification: Uncertain significance. Last evaluated: 2021-05-03. Review status: criteria provided, single submitter. Criteria: Invitae Variant Classification Sherloc (09022015). Collection method: clinical testing. Allele origin: germline.
Comment: In summary, the available evidence is currently insufficient to determine the role of this variant in disease. Therefore, it has been classified as a Variant of Uncertain Significance. Algorithms developed to predict the effect of missense changes on protein structure and function (SIFT, PolyPhen-2, Align-GVGD) all suggest that this variant is likely to be disruptive, but these predictions have not been confirmed by published functional studies and their clinical significance is uncertain. This sequence change replaces glycine with arginine at codon 2306 of the SZT2 protein (p.Gly2306Arg). The glycine residue is highly conserved and there is a moderate physicochemical difference between glycine and arginine. This variant is not present in population databases (ExAC no frequency). This variant has been observed in individual(s) with clinical features of SZT2-related conditions (PMID: 27159321, Invitae).

Literature cited by the submitters: PubMed 30818181 (cited by Women's Health and Genetics/Laboratory Corporation of America, LabCorp); PubMed 29696782 (cited by Women's Health and Genetics/Laboratory Corporation of America, LabCorp); PubMed 27159321 (cited by Women's Health and Genetics/Laboratory Corporation of America, LabCorp and Labcorp Genetics (formerly Invitae), Labcorp).